The following is an entry in ClinVar:

NM_015294.6(TRIM37):c.2169A>G (p.Ala723=)

Gene: TRIM37 (tripartite motif containing 37; minus strand). Cytogenetic location: 17q22.
Variant type: single nucleotide variant.
Coding change: c.2169A>G on transcript NM_015294.6 (MANE Select); coding-DNA position 2169, A replaced by G.
Protein change: p.Ala723=; no amino-acid change (alanine 723 retained).
Molecular consequence: synonymous variant. On other transcripts: non-coding transcript variant (2).
Genome position (GRCh38, 1-based): chr17:59,028,503, T>C on the plus strand (A>G on the coding strand, the complement: TRIM37 is on the minus strand). VCF-style: chr17-59028503-T-C. GRCh37 (hg19) VCF-style: chr17-57105864-T-C.
Other names: c.2169A>G, p.Ala723= (NM_001005207.5, NM_001320988.3, NM_001320989.3 and 1 more transcripts); c.2067A>G, p.Ala689= (NM_001320987.3, NM_001353082.2); c.1803A>G, p.Ala601= (NM_001320990.3); c.1434A>G, p.Ala478= (NM_001353083.2); c.1707A>G, p.Ala569= (NM_001353085.2); c.2118A>G, p.Ala706= (NM_001353086.2); c.2169A>G (NM_015294.4).
Identifiers: ClinVar variation 559041 (VCV000559041.15), dbSNP rs771713259, ClinGen allele CA8678131.

ClinVar aggregate classification (germline): Likely benign. Review status: criteria provided, multiple submitters, no conflicts (2 of 4 stars). 5 submissions from 5 submitters: Likely benign (4). 1 of the submissions does not count toward it. Last evaluated 2026-06-15.

Conditions:
TRIM37-related disorder. Also called: TRIM37-related condition.

Allele frequency attached by ClinVar (database versions not stated): gnomAD 0.00006; TOPMed 0.00007; ExAC 0.00012.
gnomAD v4.1: 132 of 1,614,102 alleles (0.0082%); highest among the groups gnomAD compares: Middle Eastern, 0.15%; 1 homozygote.

Submissions (5):

PreventionGenetics, part of Exact Sciences
Classification: Likely benign for TRIM37-related condition. Last evaluated: 2026-06-15. Review status: criteria provided, single submitter. Criteria: ACMG Guidelines, 2015. Collection method: clinical testing. Allele origin: germline.
Comment: This variant is classified as likely benign based on ACMG/AMP sequence variant interpretation guidelines (Richards et al. 2015 PMID: 25741868, with internal and published modifications).

Labcorp Genetics (formerly Invitae), Labcorp
Classification: Likely benign. Last evaluated: 2026-01-19. Review status: criteria provided, single submitter. Criteria: Invitae Variant Classification Sherloc (09022015). Collection method: clinical testing. Allele origin: germline.

Blueprint Genetics
Classification: Likely benign. Last evaluated: 2024-11-24. Review status: criteria provided, single submitter. Criteria: ACMG Guidelines, 2015. Collection method: clinical testing. Allele origin: germline.

Breakthrough Genomics
Classification: Likely benign. Review status: criteria provided, single submitter. Criteria: ACMG Guidelines, 2015. Collection method: not provided. Allele origin: germline. Inheritance: Autosomal recessive inheritance. Affected: yes.

Mayo Clinic Laboratories, Mayo Clinic
Classification: Likely benign. Last evaluated: 2017-05-10. Review status: no assertion criteria provided. Collection method: clinical testing. Allele origin: unknown. Not counted in ClinVar's aggregate classification.